The following is an entry in ClinVar:

ClinVar aggregate classification (germline): Conflicting classifications of pathogenicity. Review status: criteria provided, conflicting classifications (1 of 4 stars). 12 submissions from 12 submitters: Uncertain significance (2); Benign (2); Likely benign (4). 4 of the submissions do not count toward it. Last evaluated 2026-02-02.

Conditions:
Cardiovascular phenotype. Identifiers: MedGen CN230736.
TTN-related disorder. Also called: TTN-related condition; TTN-related disease; TTN-related disorders.
Autosomal recessive limb-girdle muscular dystrophy type 2J (LGMDR10). Also called: MUSCULAR DYSTROPHY, LIMB-GIRDLE, AUTOSOMAL RECESSIVE 10; Limb-girdle muscular dystrophy, type 2J. Identifiers: Orphanet 140922, MedGen C1837342, MONDO:0012127, OMIM 608807.
Dilated cardiomyopathy 1G (CMD1G). Identifiers: Orphanet 154, MedGen C1858763, MONDO:0011400, OMIM 604145.
Cardiomyopathy (CMYO). Also called: Cardiomyopathies. Identifiers: Orphanet 167848, MedGen C0878544, MONDO:0004994, HP:0001638. Inheritance: Various modes of inheritance.

Allele frequency attached by ClinVar (database versions not stated): gnomAD exomes 0.00008 and 0.00016; ESP Exome Variant Server 0.00033; 1000 Genomes Project 0.00040; gnomAD 0.00059 and 0.00064; TOPMed 0.00062; ExAC 0.00017; 1000 Genomes Project 30x 0.00031.
gnomAD v4.1: 220 of 1,613,434 alleles (0.014%); highest among the groups gnomAD compares: African/African-American, 0.21%; no homozygotes.

Submissions (12):

Labcorp Genetics (formerly Invitae), Labcorp
Classification: Benign for Dilated cardiomyopathy 1G; Autosomal recessive limb-girdle muscular dystrophy type 2J. Last evaluated: 2026-02-02. Review status: criteria provided, single submitter. Criteria: Invitae Variant Classification Sherloc (09022015). Collection method: clinical testing. Allele origin: germline.

Women's Health and Genetics/Laboratory Corporation of America, LabCorp
Classification: Likely benign. Last evaluated: 2025-06-09. Review status: criteria provided, single submitter. Criteria: LabCorp Variant Classification Summary - May 2015. Collection method: clinical testing. Allele origin: germline.

Blueprint Genetics
Classification: Likely benign. Last evaluated: 2021-11-24. Review status: criteria provided, single submitter. Criteria: ACMG Guidelines, 2015. Collection method: clinical testing. Allele origin: germline.

GeneDx
Classification: Likely benign. Last evaluated: 2020-12-15. Review status: criteria provided, single submitter. Criteria: GeneDx Variant Classification Process June 2021. Collection method: clinical testing. Allele origin: germline. Affected: yes.

CHEO Genetics Diagnostic Laboratory, Children's Hospital of Eastern Ontario
Classification: Benign for Cardiomyopathy. Last evaluated: 2020-06-25. Review status: criteria provided, single submitter. Criteria: ACMG Guidelines, 2015. Collection method: clinical testing. Allele origin: germline. Study: Canadian Open Genetics Repository.

Revvity Omics, Revvity
Classification: Uncertain significance. Last evaluated: 2019-08-08. Review status: criteria provided, single submitter. Criteria: ACMG Guidelines, 2015. Collection method: clinical testing. Allele origin: germline.

Ambry Genetics
Classification: Likely benign for Cardiovascular phenotype. Last evaluated: 2017-12-12. Review status: criteria provided, single submitter. Criteria: Ambry Variant Classification Scheme 2023. Collection method: clinical testing. Allele origin: germline.

Eurofins Ntd Llc (ga)
Classification: Uncertain significance. Last evaluated: 2014-10-23. Review status: criteria provided, single submitter. Criteria: EGL Classification Definitions 2015. Collection method: clinical testing. Allele origin: germline. Observed: 3 variant alleles, 3 heterozygotes.

PreventionGenetics, part of Exact Sciences
Classification: Likely benign for TTN-related condition. Last evaluated: 2023-02-16. Review status: no assertion criteria provided. Collection method: clinical testing. Allele origin: germline. Not counted in ClinVar's aggregate classification.
Comment: This variant is classified as likely benign based on ACMG/AMP sequence variant interpretation guidelines (Richards et al. 2015 PMID: 25741868, with internal and published modifications).

Clinical Genetics DNA and cytogenetics Diagnostics Lab, Erasmus MC, Erasmus Medical Center
Classification: Likely benign. Review status: no assertion criteria provided. Collection method: clinical testing. Allele origin: germline. Affected: yes. Study: VKGL Data-share Consensus. Not counted in ClinVar's aggregate classification.

Clinical Genetics, Academic Medical Center
Classification: Likely benign. Review status: no assertion criteria provided. Collection method: clinical testing. Allele origin: germline. Affected: yes. Study: VKGL Data-share Consensus. Not counted in ClinVar's aggregate classification.

Diagnostic Laboratory, Department of Genetics, University Medical Center Groningen
Classification: Likely benign. Review status: no assertion criteria provided. Collection method: clinical testing. Allele origin: germline. Affected: yes. Study: VKGL Data-share Consensus. Not counted in ClinVar's aggregate classification.

NM_001267550.2(TTN):c.59316G>A (p.Pro19772=)

Genes: TTN (titin; minus strand), TTN-AS1 (TTN antisense RNA 1; plus strand), LOC126806424 (CDK7 strongly-dependent group 2 enhancer GRCh37_chr2:179456337-179457536; plus strand). Cytogenetic location: 2q31.2.
Variant type: single nucleotide variant.
Coding change: c.59316G>A on transcript NM_001267550.2 (MANE Select); coding-DNA position 59316, G replaced by A.
Protein change: p.Pro19772=; no amino-acid change (proline 19772 retained).
Molecular consequence: synonymous variant.
Genome position (GRCh38, 1-based): chr2:178,592,803, C>T on the plus strand (G>A on the coding strand, the complement: TTN is on the minus strand). VCF-style: chr2-178592803-C-T. GRCh37 (hg19) VCF-style: chr2-179457530-C-T.
Other names: c.54393G>A, p.Pro18131= (NM_001256850.1); c.32121G>A, p.Pro10707= (NM_003319.4); c.51612G>A, p.Pro17204= (NM_133378.4); c.32496G>A, p.Pro10832= (NM_133432.3); c.32697G>A, p.Pro10899= (NM_133437.4).
Identifiers: ClinVar variation 195845 (VCV000195845.36), dbSNP rs377180286, ClinGen allele CA242494.
Genomic context (GRCh38, chr2:178,592,803, plus strand): 5'-CTTGCAAACACAAGTGAGAGCATTTTACTCACCAAGCCTGTCTTTTACTAGGACTGGCTC[C>T]GGAACATGAGCTGGATCTGATTCACCAGCTGCATTGACTGCTAACACTCTAAACTTATAG-3'
Protein context (NP_001254479.2, residues 19762-19782): AAGESDPAHV[Pro19772=]EPVLVKDRLE